The following is an entry in ClinVar:

NM_017617.5(NOTCH1):c.538_540del (p.Asn180del)

Gene: NOTCH1 (notch receptor 1; minus strand). Cytogenetic location: 9q34.3.
Variant type: Deletion.
Coding change: c.538_540del on transcript NM_017617.5 (MANE Select); coding-DNA positions 538 to 540, 3 bases deleted (AAC; older notation c.538_540delAAC).
Protein change: p.Asn180del; deletes asparagine 180.
Genome position (GRCh38, 1-based): chr9:136,523,052-136,523,054, GTT deleted on the plus strand (AAC on the coding strand, the reverse complement: NOTCH1 is on the minus strand); deleting any 3 consecutive bases within chr9:136,523,052-136,523,055 gives the same sequence; the c. name uses the placement nearest the transcript's 3' end. VCF-style (leftmost placement, unchanged base first): chr9-136523051-CGTT-C. GRCh37 (hg19) VCF-style: chr9-139417503-CGTT-C.
Other names: short protein forms N180del.
Identifiers: ClinVar variation 3726666 (VCV003726666.2).

ClinVar aggregate classification (germline): Uncertain significance (1 of 4 stars; one submission).

Conditions:
Adams-Oliver syndrome 5 (AOS5). Identifiers: Orphanet 974, MedGen C4014970, MONDO:0014459, OMIM 616028.

Submission:

Labcorp Genetics (formerly Invitae), Labcorp
Classification: Uncertain significance for Adams-Oliver syndrome 5. Last evaluated: 2024-12-04. Review status: criteria provided, single submitter. Criteria: Invitae Variant Classification Sherloc (09022015). Collection method: clinical testing. Allele origin: germline.
Comment: This variant, c.538_540del, results in the deletion of 1 amino acid(s) of the NOTCH1 protein (p.Asn180del), but otherwise preserves the integrity of the reading frame. This variant is not present in population databases (gnomAD no frequency). This variant has not been reported in the literature in individuals affected with NOTCH1-related conditions. Experimental studies and prediction algorithms are not available or were not evaluated, and the functional significance of this variant is currently unknown. In summary, the available evidence is currently insufficient to determine the role of this variant in disease. Therefore, it has been classified as a Variant of Uncertain Significance.